The following is an entry in ClinVar:

NM_006206.6(PDGFRA):c.3181A>G (p.Lys1061Glu)

Gene: PDGFRA (platelet derived growth factor receptor alpha; plus strand). Cytogenetic location: 4q12.
Variant type: single nucleotide variant.
Coding change: c.3181A>G on transcript NM_006206.6 (MANE Select); coding-DNA position 3181, A replaced by G.
Protein change: p.Lys1061Glu; replaces lysine 1061 with glutamic acid.
Molecular consequence: missense variant.
Genome position (GRCh38, 1-based): chr4:54,295,183, A>G. VCF-style: chr4-54295183-A-G. GRCh37 (hg19) VCF-style: chr4-55161350-A-G.
Other names: c.3256A>G, p.Lys1086Glu (NM_001347828.2); c.3181A>G, p.Lys1061Glu (NM_001347829.2); c.3220A>G, p.Lys1074Glu (NM_001347830.2); short protein forms K1074E, K1061E, K1086E.
Identifiers: ClinVar variation 1380586 (VCV001380586.11), dbSNP rs2110358686, ClinGen allele CA356896567.

ClinVar aggregate classification (germline): Uncertain significance. Review status: criteria provided, multiple submitters, no conflicts (2 of 4 stars). 2 submissions from 2 submitters: Uncertain significance (2). Last evaluated 2025-08-13.

Conditions:
Gastrointestinal stromal tumor. Also called: Gastrointestinal stroma tumor; Gastrointestinal stromal tumor, somatic. Identifiers: Orphanet 44890, MedGen C0238198, MeSH D046152, MONDO:0011719, OMIM 606764, HP:0100723.
Hereditary cancer-predisposing syndrome. Also called: Tumor predisposition; Hereditary Cancer Syndrome; Hereditary neoplastic syndrome; Neoplastic Syndromes, Hereditary. Identifiers: Orphanet 140162, MedGen C0027672, MeSH D009386, MONDO:0015356.

Allele frequency attached by ClinVar (database versions not stated): gnomAD exomes below 0.00001.

Submissions (2):

Labcorp Genetics (formerly Invitae), Labcorp
Classification: Uncertain significance for Gastrointestinal stromal tumor. Last evaluated: 2025-08-13. Review status: criteria provided, single submitter. Criteria: Invitae Variant Classification Sherloc (09022015). Collection method: clinical testing. Allele origin: germline.
Comment: This sequence change replaces lysine, which is basic and polar, with glutamic acid, which is acidic and polar, at codon 1061 of the PDGFRA protein (p.Lys1061Glu). This variant is not present in population databases (gnomAD no frequency). This variant has not been reported in the literature in individuals affected with PDGFRA-related conditions. ClinVar contains an entry for this variant (Variation ID: 1380586). An algorithm developed to predict the effect of missense changes on protein structure and function (PolyPhen-2) suggests that this variant is likely to be disruptive. In summary, the available evidence is currently insufficient to determine the role of this variant in disease. Therefore, it has been classified as a Variant of Uncertain Significance.

Ambry Genetics
Classification: Uncertain significance for Hereditary cancer-predisposing syndrome. Last evaluated: 2024-07-29. Review status: criteria provided, single submitter. Criteria: Ambry Variant Classification Scheme 2023. Collection method: clinical testing. Allele origin: germline.
Comment: The p.K1061E variant (also known as c.3181A>G), located in coding exon 22 of the PDGFRA gene, results from an A to G substitution at nucleotide position 3181. The lysine at codon 1061 is replaced by glutamic acid, an amino acid with similar properties. This amino acid position is conserved. In addition, the in silico prediction for this alteration is inconclusive. Since supporting evidence is limited at this time, the clinical significance of this alteration remains unclear.